The following is an entry in ClinVar:

NM_002474.3(MYH11):c.5858G>A (p.Gly1953Asp)

Genes: MYH11 (myosin heavy chain 11; minus strand), NDE1 (nudE neurodevelopment protein 1; plus strand). Cytogenetic location: 16p13.11.
Variant type: single nucleotide variant.
Coding change: c.5858G>A on transcript NM_002474.3 (MANE Select); coding-DNA position 5858, G replaced by A.
Protein change: p.Gly1953Asp; replaces glycine 1953 with aspartic acid.
Molecular consequence: missense variant. On other transcripts: 3 prime UTR variant (2), intron variant (2).
Genome position (GRCh38, 1-based): chr16:15,704,052, C>T on the plus strand (G>A on the coding strand, the complement: MYH11 is on the minus strand). VCF-style: chr16-15704052-C-T. GRCh37 (hg19) VCF-style: chr16-15797909-C-T.
Other names: c.*80G>A (NM_001040113.2, NM_022844.3); c.5879G>A, p.Gly1960Asp (NM_001040114.2); c.947+7192C>T (NM_001143979.2, NM_017668.3); short protein forms G1953D, G1960D.
Identifiers: ClinVar variation 3156218 (VCV003156218.2), dbSNP rs1258510512, ClinGen allele CA394843715.

ClinVar aggregate classification (germline): Uncertain significance (1 of 4 stars; one submission).

Conditions:
Familial thoracic aortic aneurysm and aortic dissection (TAAD). Also called: Thoracic aortic aneurysms and dissections. Identifiers: Orphanet 91387, MedGen C4707243, MONDO:0019625.

Submission:

Ambry Genetics
Classification: Uncertain significance for Familial thoracic aortic aneurysm and aortic dissection. Last evaluated: 2025-09-17. Review status: criteria provided, single submitter. Criteria: Ambry Variant Classification Scheme 2023. Collection method: clinical testing. Allele origin: germline.
Comment: The p.G1953D variant (also known as c.5858G>A), located in coding exon 40 of the MYH11 gene, results from a G to A substitution at nucleotide position 5858. The glycine at codon 1953 is replaced by aspartic acid, an amino acid with similar properties. This amino acid position is conserved. In addition, this alteration is predicted to be tolerated by in silico analysis. Based on the available evidence, the clinical significance of this variant remains unclear.